The following is an entry in ClinVar:

NM_001282426.2(PIK3CG):c.2652C>T (p.Asp884=)

Gene: PIK3CG (phosphatidylinositol-4,5-bisphosphate 3-kinase catalytic subunit gamma; plus strand). Cytogenetic location: 7q22.3.
Variant type: single nucleotide variant.
Coding change: c.2652C>T on transcript NM_001282426.2 (MANE Select); coding-DNA position 2652, C replaced by T.
Protein change: p.Asp884=; no amino-acid change (aspartic acid 884 retained).
Molecular consequence: synonymous variant.
Genome position (GRCh38, 1-based): chr7:106,883,055, C>T. VCF-style: chr7-106883055-C-T. GRCh37 (hg19) VCF-style: chr7-106523500-C-T.
Other names: c.2652C>T, p.Asp884= (NM_001282427.2, NM_002649.3).
Identifiers: ClinVar variation 2657927 (VCV002657927.24), dbSNP rs755002463, ClinGen allele CA4429659.

ClinVar aggregate classification (germline): Likely benign (1 of 4 stars; one submission).

Allele frequency attached by ClinVar (database versions not stated): ExAC 0.00002; gnomAD exomes 0.00002; TOPMed 0.00002; gnomAD 0.00003.
gnomAD v4.1: 34 of 1,613,830 alleles (0.0021%); highest among the groups gnomAD compares: Middle Eastern, 0.049%; no homozygotes.

Submission:

CeGaT Center for Human Genetics Tuebingen
Classification: Likely benign. Last evaluated: 2022-09-01. Review status: criteria provided, single submitter. Criteria: CeGaT Center For Human Genetics Tuebingen Variant Classification Criteria Version 2. Collection method: clinical testing. Allele origin: germline. Affected: yes. Observed: 1 variant allele.
Comment: PIK3CG: BP4, BP7